The following is an entry in ClinVar:

ClinVar aggregate classification (germline): Uncertain significance (1 of 4 stars; one submission).

Conditions:
Duchenne muscular dystrophy (DMD). Also called: Duchenne Muscular Dystrophy (DMD); MUSCULAR DYSTROPHY, PSEUDOHYPERTROPHIC PROGRESSIVE, DUCHENNE TYPE. Identifiers: Orphanet 98896, MedGen C0013264, MONDO:0010679, OMIM 310200.

Submission:

Labcorp Genetics (formerly Invitae), Labcorp
Classification: Uncertain significance for Duchenne muscular dystrophy. Last evaluated: 2017-12-05. Review status: criteria provided, single submitter. Criteria: Invitae Variant Classification Sherloc (09022015). Collection method: clinical testing. Allele origin: germline.
Comment: Algorithms developed to predict the effect of missense changes on protein structure and function do not agree on the potential impact of this missense change (SIFT: "Tolerated"; PolyPhen-2: "Possibly Damaging"; Align-GVGD: "Class C0"). In summary, the available evidence is currently insufficient to determine the role of this variant in disease. Therefore, it has been classified as a Variant of Uncertain Significance. This variant has not been reported in the literature in individuals with DMD-related disease. This variant is not present in population databases (ExAC no frequency). This sequence change replaces glutamine with proline at codon 829 of the DMD protein (p.Gln829Pro). The glutamine residue is highly conserved and there is a moderate physicochemical difference between glutamine and proline.

NM_004006.3(DMD):c.2486A>C (p.Gln829Pro)

Gene: DMD (dystrophin; minus strand). Cytogenetic location: Xp21.1.
Variant type: single nucleotide variant.
Coding change: c.2486A>C on transcript NM_004006.3 (MANE Select); coding-DNA position 2486, A replaced by C.
Protein change: p.Gln829Pro; replaces glutamine 829 with proline.
Molecular consequence: missense variant.
Genome position (GRCh38, 1-based): chrX:32,491,413, T>G on the plus strand (A>C on the coding strand, the complement: DMD is on the minus strand). VCF-style: chrX-32491413-T-G. GRCh37 (hg19) VCF-style: chrX-32509530-T-G.
Other names: c.2462A>C, p.Gln821Pro (NM_000109.4); c.2474A>C, p.Gln825Pro (NM_004009.3); c.2117A>C, p.Gln706Pro (NM_004010.3); short protein forms Q829P, Q706P, Q825P, Q821P.
Identifiers: ClinVar variation 526085 (VCV000526085.9), dbSNP rs1557383647, ClinGen allele CA412672504.
Genomic context (GRCh38, chrX:32,491,413, plus strand): 5'-GCAGTAGTTGTCATCTGCTCCAATTGTTGTAGCTGATTATAGAAAGCGATGATGTTGTTC[T>G]GATACTCCAGCCAGTTAAGTCTCTCACTTAGCAACTGGCAGAATTCGATCCACCGGCTGT-3'
Protein context (NP_003997.2, residues 819-839): LSERLNWLEY[Gln829Pro]NNIIAFYNQL